The following is an entry in ClinVar:

ClinVar aggregate classification (germline): Conflicting classifications of pathogenicity. Review status: criteria provided, conflicting classifications (1 of 4 stars). 15 submissions from 15 submitters: Uncertain significance (9); Likely benign (4). 2 of the submissions do not count toward it. Last evaluated 2026-01-26.

Conditions:
BRCA2-related cancer predisposition. Identifiers: MedGen CN377758, MONDO:0700269.
BRCA2-related disorder. Also called: BRCA2-related condition; BRCA2-related disorders. Identifiers: MedGen CN239275.
Hereditary cancer-predisposing syndrome. Also called: Hereditary Cancer Syndrome; Tumor predisposition; Neoplastic Syndromes, Hereditary; Hereditary neoplastic syndrome. Identifiers: Orphanet 140162, MedGen C0027672, MeSH D009386, MONDO:0015356.
Hereditary breast ovarian cancer syndrome. Also called: Hereditary breast and ovarian cancer syndrome; Hereditary breast and/or ovarian cancer syndrome; Hereditary breast and ovarian cancer; Hereditary breast and ovarian cancer syndrome (HBOC); Breast and ovarian cancer; BRCA1- and BRCA2-Associated Hereditary Breast and Ovarian Cancer. Identifiers: Orphanet 145, MedGen C0677776, MeSH D061325, MONDO:0003582. Disease mechanism: loss of function.
Breast-ovarian cancer, familial, susceptibility to, 2 (BROVCA2). Also called: BRCA2 Hereditary Breast and Ovarian Cancer. Identifiers: Orphanet 145, MedGen C2675520, MONDO:0012933, OMIM 612555. Disease mechanism: loss of function.
Familial cancer of breast. Also called: BREAST CANCER, FAMILIAL; Hereditary breast cancer; hereditary breast carcinoma. Identifiers: Orphanet 227535, MedGen C0346153, MONDO:0016419, OMIM 114480. Disease mechanism: loss of function.

Allele frequency attached by ClinVar (database versions not stated): ExAC 0.00002; gnomAD 0.00005; TOPMed 0.00006; gnomAD exomes 0.00001.

Submissions (15):

Labcorp Genetics (formerly Invitae), Labcorp
Classification: Likely benign for Hereditary breast ovarian cancer syndrome. Last evaluated: 2026-01-26. Review status: criteria provided, single submitter. Criteria: Invitae Variant Classification Sherloc (09022015). Collection method: clinical testing. Allele origin: germline.

Quest Diagnostics Nichols Institute San Juan Capistrano
Classification: Uncertain significance. Last evaluated: 2025-10-08. Review status: criteria provided, single submitter. Criteria: Quest Diagnostics criteria. Collection method: clinical testing. Allele origin: unknown.
Comment: The BRCA2 c.8807T>C (p.Leu2936Ser) variant has been reported in the published literature in an individual with ovarian cancer (PMID: 33526602 (2021)), and in several individuals in a hereditary cancer testing cohort (PMID: 31853058 (2020)). In a large scale breast cancer association study, this variant has been observed in breast cancer cases and reportedly unaffected individuals (PMID: 33471991 (2021), see also LOVD). Additionally, this variant showed benign/likely benign effects in a saturation genome editing assay measuring DNA repair-dependent cell survival (PMID: 39779848 (2025)). The frequency of this variant in the general population (Genome Aggregation Database) is uninformative in the assessment of its pathogenicity. Analysis of this variant using bioinformatics tools for the prediction of the effect of amino acid changes on protein structure and function yielded conflicting predictions that this variant is benign or damaging. Based on the available information, we are unable to determine the clinical significance of this variant.

PreventionGenetics, part of Exact Sciences
Classification: Likely benign for BRCA2-related condition. Last evaluated: 2025-07-08. Review status: criteria provided, single submitter. Criteria: ACMG Guidelines, 2015. Collection method: clinical testing. Allele origin: germline.
Comment: This variant is classified as likely benign based on ACMG/AMP sequence variant interpretation guidelines (Richards et al. 2015 PMID: 25741868, with internal and published modifications).

Color Diagnostics, LLC DBA Color Health
Classification: Likely benign for Hereditary cancer-predisposing syndrome. Last evaluated: 2025-03-24. Review status: criteria provided, single submitter. Criteria: ACMG Guidelines, 2015. Collection method: clinical testing. Allele origin: germline.

All of Us Research Program, National Institutes of Health
Classification: Uncertain significance for BRCA2-related cancer predisposition. Last evaluated: 2024-05-30. Review status: criteria provided, single submitter. Criteria: ACMG Guidelines, 2015. Collection method: clinical testing. Allele origin: germline. Inheritance: Autosomal dominant inheritance. Observed: 7 variant alleles, 7 heterozygotes.
Comment: This missense variant replaces leucine with serine at codon 2936 of the BRCA2 protein. Computational prediction suggests that this variant may not impact protein structure and function. To our knowledge, functional studies have not been reported for this variant. This variant has been reported in an individual affected with ovarian cancer (PMID: 33526602). In a large breast cancer case-control meta analysis conducted by the BRIDGES consortium, this variant was reported in 1/60466 cases and 2/53461 unaffected controls (p-value=0.603) (PMID: 33471991; Leiden Open Variation Database DB-ID BRCA2_008715). This variant has been identified in 7/282102 chromosomes in the general population by the Genome Aggregation Database (gnomAD). The available evidence is insufficient to determine the role of this variant in disease conclusively. Therefore, this variant is classified as a Variant of Uncertain Significance.

This study involves interpretation of variants in research participants for the purpose of population health screening. Participant phenotype was not available at the time of variant classification. Additional details can be found in publication PMID: 35346344, PMCID: PMC8962531

Baylor Genetics
Classification: Uncertain significance for Familial cancer of breast. Last evaluated: 2023-08-21. Review status: criteria provided, single submitter. Criteria: ACMG Guidelines, 2015. Collection method: clinical testing. Allele origin: unknown.

GeneDx
Classification: Uncertain significance. Last evaluated: 2022-12-28. Review status: criteria provided, single submitter. Criteria: GeneDx Variant Classification Process June 2021. Collection method: clinical testing. Allele origin: germline. Affected: yes.
Comment: Identified in an individual with breast cancer, but also in unaffected controls (Dorling et al., 2021); In silico analysis supports that this missense variant does not alter protein structure/function; Also known as 9035T>C; This variant is associated with the following publications: (PMID: 12228710, 33471991, 31911673, 31853058, 32377563, 29884841)

Sema4
Classification: Uncertain significance for Hereditary cancer-predisposing syndrome. Last evaluated: 2021-10-12. Review status: criteria provided, single submitter. Criteria: Sema4 Curation Guidelines. Collection method: curation. Allele origin: germline.
Comment: The BRCA2 c.8807T>C (p.L2936S) variant has been reported in heterozygosity in at least one individual with breast cancer (PMID: 33471991). However, the variant was also identified in two control individuals in the same study. This variant was observed in 6/24936 chromosomes in the African population according to the Genome Aggregation Database (PMID: 32461654), and has been reported in ClinVar (Variation ID: 91735). Functional studies have not been performed, and in silico predictions of the variant's effect on protein function are inconclusive. Based on the current evidence available, this variant is interpreted as a variant of uncertain significance.

Ambry Genetics
Classification: Likely benign for Hereditary cancer-predisposing syndrome. Last evaluated: 2021-07-01. Review status: criteria provided, single submitter. Criteria: Ambry Variant Classification Scheme 2023. Collection method: clinical testing. Allele origin: germline.

Blueprint Genetics
Classification: Uncertain significance. Last evaluated: 2019-12-03. Review status: criteria provided, single submitter. Criteria: ACMG Guidelines, 2015. Collection method: clinical testing. Allele origin: germline.

Women's Health and Genetics/Laboratory Corporation of America, LabCorp
Classification: Uncertain significance. Last evaluated: 2019-10-11. Review status: criteria provided, single submitter. Criteria: LabCorp Variant Classification Summary - May 2015. Collection method: clinical testing. Allele origin: germline.
Comment: Variant summary: BRCA2 c.8807T>C (p.Leu2936Ser) results in a non-conservative amino acid change in the encoded protein sequence. Four of five in-silico tools predict a damaging effect of the variant on protein function. The variant allele was found at a frequency of 1.2e-05 in 250694 control chromosomes. The available data on variant occurrences in the general population are insufficient to allow any conclusion about variant significance. To our knowledge, no occurrence of c.8807T>C in individuals affected with Hereditary Breast and Ovarian Cancer and no experimental evidence demonstrating its impact on protein function have been reported. Seven clinical diagnostic laboratories have submitted clinical-significance assessments for this variant to ClinVar after 2014 without evidence for independent evaluation. All laboratories classified the variant as uncertain significance. Based on the evidence outlined above, the variant was classified as uncertain significance.

Institute for Biomarker Research, Medical Diagnostic Laboratories, L.L.C.
Classification: Uncertain significance for Hereditary breast ovarian cancer syndrome. Last evaluated: 2016-04-25. Review status: criteria provided, single submitter. Criteria: ACMG Guidelines, 2015. Collection method: clinical testing. Allele origin: germline.

Eurofins Ntd Llc (ga)
Classification: Uncertain significance. Last evaluated: 2014-08-11. Review status: criteria provided, single submitter. Criteria: EGL Classification Definitions 2015. Collection method: clinical testing. Allele origin: germline. Observed: 1 variant allele, 1 heterozygote.

Counsyl
Classification: Uncertain significance for Breast-ovarian cancer, familial, susceptibility to, 2. Last evaluated: 2016-02-24. Review status: no assertion criteria provided. Collection method: clinical testing. Allele origin: unknown. Not counted in ClinVar's aggregate classification.

Sharing Clinical Reports Project (SCRP)
Classification: Likely benign for Breast-ovarian cancer, familial 2. Last evaluated: 2012-09-19. Review status: no assertion criteria provided. Collection method: clinical testing. Allele origin: germline. Not counted in ClinVar's aggregate classification.

Literature cited by the submitters: PubMed 33471991 (cited by 3 submitters); PubMed 32377563 (cited by Quest Diagnostics Nichols Institute San Juan Capistrano); PubMed 31853058 (cited by Quest Diagnostics Nichols Institute San Juan Capistrano); PubMed 33526602 (cited by Quest Diagnostics Nichols Institute San Juan Capistrano and All of Us Research Program, National Institutes of Health); PubMed 39779848 (cited by Quest Diagnostics Nichols Institute San Juan Capistrano).

NM_000059.4(BRCA2):c.8807T>C (p.Leu2936Ser)

Gene: BRCA2 (BRCA2 DNA repair associated; plus strand). Cytogenetic location: 13q13.1.
Variant type: single nucleotide variant.
Coding change: c.8807T>C on transcript NM_000059.4 (MANE Select); coding-DNA position 8807, T replaced by C.
Protein change: p.Leu2936Ser; replaces leucine 2936 with serine.
Molecular consequence: missense variant.
Genome position (GRCh38, 1-based): chr13:32,379,369, T>C. VCF-style: chr13-32379369-T-C. GRCh37 (hg19) VCF-style: chr13-32953506-T-C.
Other names: p.L2936S:TTG>TCG; 9035T>C; short protein forms L2936S.
Identifiers: ClinVar variation 91735 (VCV000091735.45), dbSNP rs398122714, ClinGen allele CA025831.
Genomic context (GRCh38, chr13:32,379,369, plus strand): 5'-GGTCACAGGGTTATTTCAGTGAAGAGCAGTTAAGAGCCTTGAATAATCACAGGCAAATGT[T>C]GAATGATAAGAAACAAGCTCAGATCCAGTTGGAAATTAGGAAGGCCATGGAATCTGCTGA-3'
Protein context (NP_000050.3, residues 2926-2946): LRALNNHRQM[Leu2936Ser]NDKKQAQIQL